The following is an entry in ClinVar:

NM_006080.3(SEMA3A):c.1432G>A (p.Glu478Lys)

Gene: SEMA3A (semaphorin 3A; minus strand). Cytogenetic location: 7q21.11.
Variant type: single nucleotide variant.
Coding change: c.1432G>A on transcript NM_006080.3 (MANE Select); coding-DNA position 1432, G replaced by A.
Protein change: p.Glu478Lys; replaces glutamic acid 478 with lysine.
Molecular consequence: missense variant.
Genome position (GRCh38, 1-based): chr7:84,001,975, C>T on the plus strand (G>A on the coding strand, the complement: SEMA3A is on the minus strand). VCF-style: chr7-84001975-C-T. GRCh37 (hg19) VCF-style: chr7-83631291-C-T.
Other names: short protein forms E478K.
Identifiers: ClinVar variation 3355625 (VCV003355625.1).

ClinVar aggregate classification (germline): Uncertain significance (0 of 4 stars; one submission).

Conditions:
SEMA3A-related disorder. Also called: SEMA3A-related condition.

gnomAD v4.1: 4 of 1,612,266 alleles (0.00025%); highest among the groups gnomAD compares: East Asian, 0.0045%; no homozygotes.

Submission:

PreventionGenetics, part of Exact Sciences
Classification: Uncertain significance for SEMA3A-related condition. Last evaluated: 2024-06-28. Review status: no assertion criteria provided. Collection method: clinical testing. Allele origin: germline.
Comment: The SEMA3A c.1432G>A variant is predicted to result in the amino acid substitution p.Glu478Lys. This variant has been reported as a variant of uncertain significance in an individual with hypogonadotropic hypogonadism, who also carried a de novo pathogenic variant in the SOX2 gene (Table S2, Wang et al. 2021. PubMed ID: 34759222). This variant is reported in 0.0055% of alleles in individuals of East Asian descent in gnomAD. At this time, the clinical significance of this variant is uncertain due to the absence of conclusive functional and genetic evidence.